The following is an entry in ClinVar:

ClinVar aggregate classification (germline): Uncertain significance. Review status: criteria provided, multiple submitters, no conflicts (2 of 4 stars). 3 submissions from 3 submitters: Uncertain significance (3). Last evaluated 2021-09-24.

Allele frequency attached by ClinVar (database versions not stated): ExAC 0.00016; gnomAD 0.00046 and 0.00048; TOPMed 0.00053; ESP Exome Variant Server 0.00054; 1000 Genomes Project 0.00060; 1000 Genomes Project 30x 0.00062; gnomAD exomes 0.00004 and 0.00012.
gnomAD v4.1: 139 of 1,613,852 alleles (0.0086%); highest among the groups gnomAD compares: African/African-American, 0.17%; no homozygotes.

Submissions (3):

Labcorp Genetics (formerly Invitae), Labcorp
Classification: Uncertain significance. Last evaluated: 2021-09-24. Review status: criteria provided, single submitter. Criteria: Invitae Variant Classification Sherloc (09022015). Collection method: clinical testing. Allele origin: germline.
Comment: This sequence change replaces lysine with glutamic acid at codon 291 of the RBBP8 protein (p.Lys291Glu). The lysine residue is highly conserved and there is a small physicochemical difference between lysine and glutamic acid. This variant is present in population databases (rs140295451, ExAC 0.2%). This variant has not been reported in the literature in individuals affected with RBBP8-related conditions. ClinVar contains an entry for this variant (Variation ID: 212024). Algorithms developed to predict the effect of missense changes on protein structure and function are either unavailable or do not agree on the potential impact of this missense change (SIFT: "Deleterious"; PolyPhen-2: "Possibly Damaging"; Align-GVGD: "Class C15"). In summary, the available evidence is currently insufficient to determine the role of this variant in disease. Therefore, it has been classified as a Variant of Uncertain Significance.

Genetic Services Laboratory, University of Chicago
Classification: Uncertain significance. Last evaluated: 2014-09-02. Review status: criteria provided, single submitter. Criteria: ACMG Guidelines, 2015. Collection method: clinical testing. Allele origin: germline.

Breakthrough Genomics
Classification: Uncertain significance. Review status: criteria provided, single submitter. Criteria: ACMG Guidelines, 2015. Collection method: not provided. Allele origin: germline. Inheritance: Autosomal recessive inheritance. Affected: yes.

NM_002894.3(RBBP8):c.871A>G (p.Lys291Glu)

Gene: RBBP8 (RB binding protein 8, endonuclease; plus strand). Cytogenetic location: 18q11.2.
Variant type: single nucleotide variant.
Coding change: c.871A>G on transcript NM_002894.3 (MANE Select); coding-DNA position 871, A replaced by G.
Protein change: p.Lys291Glu; replaces lysine 291 with glutamic acid.
Molecular consequence: missense variant.
Genome position (GRCh38, 1-based): chr18:22,991,000, A>G. VCF-style: chr18-22991000-A-G. GRCh37 (hg19) VCF-style: chr18-20570963-A-G.
Other names: c.871A>G, p.Lys291Glu (NM_203291.2, NM_203292.2); short protein forms K291E.
Identifiers: ClinVar variation 212024 (VCV000212024.11), dbSNP rs140295451, ClinGen allele CA209250.